The following is an entry in ClinVar:

ClinVar aggregate classification (germline): Uncertain significance (1 of 4 stars; one submission).

Conditions:
Ciliary dyskinesia, primary, 37 (CILD37). Also called: CILIARY DYSKINESIA, PRIMARY, 37, WITH OR WITHOUT SITUS INVERSUS. Identifiers: MedGen C4539798, MONDO:0033204, OMIM 617577.
Spermatogenic failure 18. Identifiers: MedGen C4539783, MONDO:0054615, OMIM 617576.

Allele frequency attached by ClinVar (database versions not stated): gnomAD exomes below 0.00001.
gnomAD v4.1: 3 of 1,609,020 alleles (0.00019%); highest among the groups gnomAD compares: Non-Finnish European, 0.00017%; no homozygotes.

Submission:

Labcorp Genetics (formerly Invitae), Labcorp
Classification: Uncertain significance for Ciliary dyskinesia, primary, 37; Spermatogenic failure 18. Last evaluated: 2022-04-04. Review status: criteria provided, single submitter. Criteria: Invitae Variant Classification Sherloc (09022015). Collection method: clinical testing. Allele origin: germline.
Comment: In summary, the available evidence is currently insufficient to determine the role of this variant in disease. Therefore, it has been classified as a Variant of Uncertain Significance. Algorithms developed to predict the effect of missense changes on protein structure and function are either unavailable or do not agree on the potential impact of this missense change (SIFT: "Deleterious"; PolyPhen-2: "Possibly Damaging"; Align-GVGD: "Class C0"). This variant has not been reported in the literature in individuals affected with DNAH1-related conditions. This variant is not present in population databases (gnomAD no frequency). This sequence change replaces glutamine, which is neutral and polar, with arginine, which is basic and polar, at codon 2729 of the DNAH1 protein (p.Gln2729Arg).

NM_015512.5(DNAH1):c.8186A>G (p.Gln2729Arg)

Gene: DNAH1 (dynein axonemal heavy chain 1; plus strand). Cytogenetic location: 3p21.1.
Variant type: single nucleotide variant.
Coding change: c.8186A>G on transcript NM_015512.5 (MANE Select); coding-DNA position 8186, A replaced by G.
Protein change: p.Gln2729Arg; replaces glutamine 2729 with arginine.
Molecular consequence: missense variant.
Genome position (GRCh38, 1-based): chr3:52,383,895, A>G. VCF-style: chr3-52383895-A-G. GRCh37 (hg19) VCF-style: chr3-52417911-A-G.
Other names: c.8186A>G (NM_015512.4); short protein forms Q2729R.
Identifiers: ClinVar variation 2193773 (VCV002193773.5), dbSNP rs2471265790, ClinGen allele CA353184984.